The following is an entry in ClinVar:

ClinVar aggregate classification (germline): Pathogenic (1 of 4 stars; one submission).

Conditions:
3-methylglutaconic aciduria, type VIIB (MGCA7B). Also called: 3-methylglutaconic aciduria with cataracts, neurologic involvement and neutropenia; 3-methylglutaconic aciduria, type VII, with cataracts, neurologic involvement and neutropenia; CLPB Deficiency. Identifiers: Orphanet 445038, MedGen C5676893, MONDO:0014561, OMIM 616271.

Submission:

Labcorp Genetics (formerly Invitae), Labcorp
Classification: Pathogenic for 3-methylglutaconic aciduria, type VIIB. Last evaluated: 2021-07-26. Review status: criteria provided, single submitter. Criteria: Invitae Variant Classification Sherloc (09022015). Collection method: clinical testing. Allele origin: germline.
Comment: For these reasons, this variant has been classified as Pathogenic. This variant has not been reported in the literature in individuals affected with CLPB-related conditions. This variant is a gross deletion of the genomic region encompassing exon(s) 1 of the CLPB gene, which includes the initiator codon. The 5' end of this event is unknown as it extends beyond the assayed region for this gene and therefore may encompass additional genes. The 3' boundary is likely confined to intron 1 of the CLPB gene. It is expected to result in an absent or disrupted protein product. Loss-of-function variants in CLPB are known to be pathogenic (PMID: 25597510, 28687938).

Literature cited by the submitters: PubMed 25597510; PubMed 28687938.

NC_000011.9:g.(?_72145096)_(72145518_?)del

Gene: CLPB (ClpB family mitochondrial disaggregase; minus strand). Cytogenetic location: 11q13.4.
Variant type: Deletion.
Identifiers: ClinVar variation 1427364 (VCV001427364.7).